The following is an entry in ClinVar:

NM_001369.3(DNAH5):c.7982_7989del (p.Met2661fs)

Gene: DNAH5 (dynein axonemal heavy chain 5; minus strand). Cytogenetic location: 5p15.2.
Variant type: Deletion.
Coding change: c.7982_7989del on transcript NM_001369.3 (MANE Select); coding-DNA positions 7982 to 7989, 8 bases deleted (TGCCAATA; older notation c.7982_7989delTGCCAATA).
Protein change: p.Met2661fs; shifts the reading frame from methionine 2661.
Molecular consequence: frameshift variant.
Genome position (GRCh38, 1-based): chr5:13,793,957-13,793,964, TATTGGCA deleted on the plus strand (TGCCAATA on the coding strand, the reverse complement: DNAH5 is on the minus strand); deleting any 8 consecutive bases within chr5:13,793,957-13,793,968 gives the same sequence; the c. name uses the placement nearest the transcript's 3' end. VCF-style (leftmost placement, unchanged base first): chr5-13793956-TTATTGGCA-T. GRCh37 (hg19) VCF-style: chr5-13794065-TTATTGGCA-T.
Other names: short protein forms M2661fs.
Identifiers: ClinVar variation 1725857 (VCV001725857.2), dbSNP rs2546745666, ClinGen allele CA2580072173.

ClinVar aggregate classification (germline): Likely pathogenic (1 of 4 stars; one submission).

Conditions:
Primary ciliary dyskinesia 3. Identifiers: Orphanet 244, MedGen C1837618, MONDO:0012085, OMIM 608644.

Submission:

Myriad Genetics, Inc.
Classification: Likely pathogenic for Primary ciliary dyskinesia 3. Last evaluated: 2022-04-04. Review status: criteria provided, single submitter. Criteria: Myriad Women's Health Autosomal Recessive and X-Linked Classification Criteria (2021). Collection method: clinical testing. Allele origin: unknown.
Comment: NM_001369.2(DNAH5):c.7982_7989del8(M2661Nfs*3) is expected to be pathogenic in the context of DNAH5-related primary ciliary dyskinesia. This variant is predicted to lead to an abnormal or absent protein product due to the creation of a premature termination codon in DNAH5, a gene where loss-of-function variants are known to be pathogenic. Please note: this variant was assessed in the context of healthy population screening.